The following is an entry in ClinVar:

NC_000023.10:g.(?_32305637)_(33357392_?)del

Gene: DMD (dystrophin; minus strand). Cytogenetic location: Xp21.1.
Variant type: Deletion.
Identifiers: ClinVar variation 1069345 (VCV001069345.2).

ClinVar aggregate classification (germline): Pathogenic (1 of 4 stars; one submission).

Conditions:
Duchenne muscular dystrophy (DMD). Also called: MUSCULAR DYSTROPHY, PSEUDOHYPERTROPHIC PROGRESSIVE, DUCHENNE TYPE; Duchenne Muscular Dystrophy (DMD). Identifiers: Orphanet 98896, MedGen C0013264, MONDO:0010679, OMIM 310200.

Submission:

Labcorp Genetics (formerly Invitae), Labcorp
Classification: Pathogenic for Duchenne muscular dystrophy. Last evaluated: 2020-03-11. Review status: criteria provided, single submitter. Criteria: Invitae Variant Classification Sherloc (09022015). Collection method: clinical testing. Allele origin: germline.
Comment: This variant is a gross deletion of the genomic region encompassing exons 1-43 of the DMD gene, which includes the initiator codon. The 5' end of this event is unknown as it extends beyond the assayed region for this gene and therefore may encompass additional genes. The 3' boundary is likely confined to intron 43 of the DMD gene. This is expected to result in an absent or disrupted protein product. This variant has been observed in individual(s) with DMD-related dystrophinopathy (PMID: 25972034). Loss-of-function variants in DMD are known to be pathogenic (PMID: 16770791, 25007885). For these reasons, this variant has been classified as Pathogenic.

Literature cited by the submitters: PubMed 25972034; PubMed 16770791; PubMed 25007885.